The following is an entry in ClinVar:

ClinVar aggregate classification (germline): Uncertain significance. Review status: criteria provided, multiple submitters, no conflicts (2 of 4 stars). 2 submissions from 2 submitters: Uncertain significance (2). Last evaluated 2025-06-10.

Conditions:
LARS1-related disorder. Also called: LARS1-related condition.

gnomAD v4.1: 94 of 1,613,618 alleles (0.0058%); highest among the groups gnomAD compares: Non-Finnish European, 0.0076%; no homozygotes.

Submissions (2):

PreventionGenetics, part of Exact Sciences
Classification: Uncertain significance for LARS1-related condition. Last evaluated: 2025-06-10. Review status: criteria provided, single submitter. Criteria: ACMG Guidelines, 2015. Collection method: clinical testing. Allele origin: germline.
Comment: The LARS1 c.2548C>T variant is predicted to result in the amino acid substitution p.Arg850Trp. This variant has been reported in an individual with developmental disorder (Suppl. Table 1, McRae et al. 2017. PubMed ID: 28135719). This variant is reported in 0.0062% of alleles in individuals of European (Non-Finnish) descent in gnomAD. At this time, the clinical significance of this variant is uncertain due to the absence of conclusive functional and genetic evidence.

Clinical Genetics Laboratory, Skane University Hospital Lund
Classification: Uncertain significance. Last evaluated: 2023-02-08. Review status: criteria provided, single submitter. Criteria: ACMG Guidelines, 2015. Collection method: clinical testing. Allele origin: germline. Affected: yes.

NM_020117.11(LARS1):c.2548C>T (p.Arg850Trp)

Gene: LARS1 (leucyl-tRNA synthetase 1; minus strand). Cytogenetic location: 5q32.
Variant type: single nucleotide variant.
Coding change: c.2548C>T on transcript NM_020117.11 (MANE Select); coding-DNA position 2548, C replaced by T.
Protein change: p.Arg850Trp; replaces arginine 850 with tryptophan.
Molecular consequence: missense variant.
Genome position (GRCh38, 1-based): chr5:146,130,098, G>A on the plus strand (C>T on the coding strand, the complement: LARS1 is on the minus strand). VCF-style: chr5-146130098-G-A. GRCh37 (hg19) VCF-style: chr5-145509661-G-A.
Other names: c.2410C>T, p.Arg804Trp (NM_001317964.2); c.2386C>T, p.Arg796Trp (NM_001317965.2); c.2467C>T, p.Arg823Trp (NM_016460.4); c.2548C>T (NM_020117.10); short protein forms R796W, R804W, R823W, R850W.
Identifiers: ClinVar variation 3337247 (VCV003337247.2).
Genomic context (GRCh38, chr5:146,130,098, plus strand): 5'-TGTGCTCACACAAATGTGGACAGAATGGAGCGAGGAGAAGTGTCTGAACTTCAATAAACC[G>A]GAACACAAGTTCTCTGTGCATCCCTTCCACAGCCAATTCACGGTACTTATCTTTTGCGGC-3'
Protein context (NP_064502.9, residues 840-860): VEGMHRELVF[Arg850Trp]FIEVQTLLLA